The following is an entry in ClinVar:

NM_024422.6(DSC2):c.172T>G (p.Phe58Val)

Gene: DSC2 (desmocollin 2; minus strand). Cytogenetic location: 18q12.1.
Variant type: single nucleotide variant.
Coding change: c.172T>G on transcript NM_024422.6 (MANE Select); coding-DNA position 172, T replaced by G.
Protein change: p.Phe58Val; replaces phenylalanine 58 with valine.
Molecular consequence: missense variant.
Genome position (GRCh38, 1-based): chr18:31,092,283, A>C on the plus strand (T>G on the coding strand, the complement: DSC2 is on the minus strand). VCF-style: chr18-31092283-A-C. GRCh37 (hg19) VCF-style: chr18-28672246-A-C.
Other names: c.172T>G, p.Phe58Val (NM_004949.5); short protein forms F58V.
Identifiers: ClinVar variation 163193 (VCV000163193.38), dbSNP rs138749562, ClinGen allele CA022550.

ClinVar aggregate classification (germline): Conflicting classifications of pathogenicity. Review status: criteria provided, conflicting classifications (1 of 4 stars). 14 submissions from 14 submitters: Uncertain significance (2); Benign (1); Likely benign (8). 3 of the submissions do not count toward it. Last evaluated 2026-02-16.

Conditions:
DSC2-related disorder. Also called: DSC2-related condition.
Cardiovascular phenotype. Identifiers: MedGen CN230736.
Familial isolated arrhythmogenic right ventricular dysplasia. Identifiers: Orphanet 217656, MedGen C4274968, MONDO:0016342.
Cardiomyopathy (CMYO). Also called: Cardiomyopathies. Identifiers: Orphanet 167848, MedGen C0878544, MONDO:0004994, HP:0001638. Inheritance: Various modes of inheritance.
Arrhythmogenic right ventricular dysplasia 11. Also called: Arrhythmogenic Right Ventricular Dysplasia/Cardiomyopathy11; ARRHYTHMOGENIC RIGHT VENTRICULAR DYSPLASIA, FAMILIAL, 11; Arrhythmogenic right ventricular dysplasia 11 with mild palmoplantar keratoderma and woolly hair. Identifiers: MedGen C1864850, MONDO:0012506, OMIM 610476.

Allele frequency attached by ClinVar (database versions not stated): gnomAD exomes 0.00006 and 0.00013; ExAC 0.00017; TOPMed 0.00053; ESP Exome Variant Server 0.00054; 1000 Genomes Project 0.00060; gnomAD 0.00061 and 0.00066; 1000 Genomes Project 30x 0.00062.
gnomAD v4.1: 188 of 1,613,636 alleles (0.012%); highest among the groups gnomAD compares: African/African-American, 0.23%; no homozygotes.

Submissions (14):

Women's Health and Genetics/Laboratory Corporation of America, LabCorp
Classification: Likely benign. Last evaluated: 2026-02-16. Review status: criteria provided, single submitter. Criteria: LabCorp Variant Classification Summary - May 2015. Collection method: clinical testing. Allele origin: germline.
Comment: Variant summary: DSC2 c.172T>G (p.Phe58Val) results in a non-conservative amino acid change located in the Cadherin prodomain (IPR014868) of the encoded protein sequence. Algorithms developed to predict the effect of missense changes on protein structure and function are either unavailable or do not agree on the potential impact of this missense change. The variant allele was found at a frequency of 0.00013 in 250736 control chromosomes, predominantly at a frequency of 0.0019 within the African or African-American subpopulation in the gnomAD database. The observed variant frequency within African or African-American control individuals in the gnomAD database exceeds the estimated maximal expected allele frequency for disease-causing variants in DSC2. To our knowledge, no occurrence of c.172T>G in individuals affected with DSC2-related conditions and no experimental evidence demonstrating its impact on protein function have been reported. ClinVar contains an entry for this variant (Variation ID: 163193). Based on the evidence outlined above, the variant was classified as likely benign.

Labcorp Genetics (formerly Invitae), Labcorp
Classification: Likely benign for Arrhythmogenic right ventricular dysplasia 11. Last evaluated: 2026-01-26. Review status: criteria provided, single submitter. Criteria: Invitae Variant Classification Sherloc (09022015). Collection method: clinical testing. Allele origin: germline.

All of Us Research Program, National Institutes of Health
Classification: Likely benign for Familial isolated arrhythmogenic right ventricular dysplasia. Last evaluated: 2024-08-06. Review status: criteria provided, single submitter. Criteria: ACMG Guidelines, 2015. Collection method: clinical testing. Allele origin: germline. Inheritance: Autosomal dominant inheritance. Observed: 40 variant alleles, 40 heterozygotes.
Comment: This study involves interpretation of variants in research participants for the purpose of population health screening. Participant phenotype was not available at the time of variant classification. Additional details can be found in publication PMID: 35346344, PMCID: PMC8962531

Blueprint Genetics
Classification: Likely benign. Last evaluated: 2024-05-28. Review status: criteria provided, single submitter. Criteria: ACMG Guidelines, 2015. Collection method: clinical testing. Allele origin: germline.

GeneDx
Classification: Likely benign. Last evaluated: 2021-05-19. Review status: criteria provided, single submitter. Criteria: GeneDx Variant Classification Process June 2021. Collection method: clinical testing. Allele origin: germline. Affected: yes.
Comment: This variant is associated with the following publications: (PMID: 25351510, 20716751, 21636032)

CHEO Genetics Diagnostic Laboratory, Children's Hospital of Eastern Ontario
Classification: Benign for Cardiomyopathy. Last evaluated: 2019-12-19. Review status: criteria provided, single submitter. Criteria: ACMG Guidelines, 2015. Collection method: clinical testing. Allele origin: germline.

Color Diagnostics, LLC DBA Color Health
Classification: Likely benign for Cardiomyopathy. Last evaluated: 2019-04-01. Review status: criteria provided, single submitter. Criteria: ACMG Guidelines, 2015. Collection method: clinical testing. Allele origin: germline.

Ambry Genetics
Classification: Likely benign for Cardiovascular phenotype. Last evaluated: 2018-12-05. Review status: criteria provided, single submitter. Criteria: Ambry Variant Classification Scheme 2023. Collection method: clinical testing. Allele origin: germline.

Molecular Diagnostic Laboratory for Inherited Cardiovascular Disease, Montreal Heart Institute
Classification: Likely benign. Last evaluated: 2017-02-28. Review status: criteria provided, single submitter. Criteria: ACMG Guidelines, 2015. Collection method: clinical testing. Allele origin: germline. Affected: yes.

Eurofins Ntd Llc (ga)
Classification: Uncertain significance. Last evaluated: 2016-02-08. Review status: criteria provided, single submitter. Criteria: EGL Classification Definitions 2015. Collection method: clinical testing. Allele origin: germline. Observed: 1 variant allele, 1 heterozygote.

Laboratory for Molecular Medicine, Mass General Brigham Personalized Medicine
Classification: Uncertain significance. Last evaluated: 2014-07-16. Review status: criteria provided, single submitter. Criteria: LMM Criteria. Collection method: clinical testing. Allele origin: germline. Observed: 1 variant allele.
Comment: Variant classified as Uncertain Significance - Favor Benign. The Phe58Val varian t in DSC2 has been reported in 1 individual with DCM (Elliot 2010) and in 1/1254 control chromosomes (Kapplinger 2011). This variant has also been identified in 0.16% (7/4406) of African American chromosomes by the NHLBI Exome Sequencing Pr oject (dbSNP rs138749562). Phenylalanine (Phe ) at position 58 is not conserved in evolution and 2 mammals (rabbit, pika) carr y a valine (Val) at this position, suggesting that this change may be tolerated. In summary, while the clinical significance of the Phe58Val variant is uncertai n, these data suggest that it is more likely to be benign.

PreventionGenetics, part of Exact Sciences
Classification: Likely benign for DSC2-related condition. Last evaluated: 2022-06-02. Review status: no assertion criteria provided. Collection method: clinical testing. Allele origin: germline. Not counted in ClinVar's aggregate classification.
Comment: This variant is classified as likely benign based on ACMG/AMP sequence variant interpretation guidelines (Richards et al. 2015 PMID: 25741868, with internal and published modifications).

Clinical Genetics, Academic Medical Center
Classification: Likely benign. Review status: no assertion criteria provided. Collection method: clinical testing. Allele origin: germline. Affected: yes. Study: VKGL Data-share Consensus. Not counted in ClinVar's aggregate classification.

Genome Diagnostics Laboratory, University Medical Center Utrecht
Classification: Likely benign. Review status: no assertion criteria provided. Collection method: clinical testing. Allele origin: germline. Affected: yes. Study: VKGL Data-share Consensus. Not counted in ClinVar's aggregate classification.

Literature cited by the submitters: PubMed 20716751 (cited by Laboratory for Molecular Medicine, Mass General Brigham Personalized Medicine); PubMed 21636032 (cited by Laboratory for Molecular Medicine, Mass General Brigham Personalized Medicine).